The following is an entry in ClinVar:

NM_152564.5(VPS13B):c.545G>C (p.Gly182Ala)

Gene: VPS13B (vacuolar protein sorting 13 homolog B; plus strand). Cytogenetic location: 8q22.2.
Variant type: single nucleotide variant.
Coding change: c.545G>C on transcript NM_152564.5 (MANE Select); coding-DNA position 545, G replaced by C.
Protein change: p.Gly182Ala; replaces glycine 182 with alanine.
Molecular consequence: missense variant. On other transcripts: non-coding transcript variant (1).
Genome position (GRCh38, 1-based): chr8:99,103,085, G>C. VCF-style: chr8-99103085-G-C. GRCh37 (hg19) VCF-style: chr8-100115313-G-C.
Other names: c.545G>C, p.Gly182Ala (NM_015243.3, NM_017890.5, NM_181661.3); c.545G>C (NM_017890.3); short protein forms G182A.
Identifiers: ClinVar variation 3032744 (VCV003032744.4), dbSNP rs2488637500, ClinGen allele CA371859494.

ClinVar aggregate classification (germline): Uncertain significance. Review status: criteria provided, single submitter (1 of 4 stars). 3 submissions from 3 submitters: Uncertain significance (1). 2 of the submissions do not count toward it. Last evaluated 2025-03-08.

Conditions:
VPS13B-related disorder. Also called: VPS13B-related condition.
Inborn genetic diseases. Identifiers: MedGen C0950123, MeSH D030342.
Cohen syndrome (COH1). Also called: Cutis verticis gyrata, retinitis pigmentosa, and sensorineural deafness; PEPPER SYNDROME. Identifiers: Orphanet 193, MedGen C0265223, MONDO:0008999, OMIM 216550.

Allele frequency attached by ClinVar (database versions not stated): gnomAD exomes below 0.00001.
gnomAD v4.1: 2 of 1,613,990 alleles (0.00012%); highest among the groups gnomAD compares: Non-Finnish European, 0.00017%; no homozygotes.

Submissions (3):

Ambry Genetics
Classification: Uncertain significance for Inborn genetic diseases. Last evaluated: 2025-03-08. Review status: criteria provided, single submitter. Criteria: Ambry Variant Classification Scheme 2023. Collection method: clinical testing. Allele origin: germline.

Natera, Inc.
Classification: Uncertain significance for Cohen syndrome. Last evaluated: 2025-04-10. Review status: no assertion criteria provided. Collection method: clinical testing. Allele origin: germline. Not counted in ClinVar's aggregate classification.

PreventionGenetics, part of Exact Sciences
Classification: Uncertain significance for VPS13B-related condition. Last evaluated: 2023-11-29. Review status: no assertion criteria provided. Collection method: clinical testing. Allele origin: germline. Not counted in ClinVar's aggregate classification.
Comment: The VPS13B c.545G>C variant is predicted to result in the amino acid substitution p.Gly182Ala. To our knowledge, this variant has not been reported in the literature or in a large population database, indicating this variant is rare. At this time, the clinical significance of this variant is uncertain due to the absence of conclusive functional and genetic evidence.